The following is an entry in ClinVar:

ClinVar aggregate classification (germline): Uncertain significance (1 of 4 stars; one submission).

Conditions:
Pitt-Hopkins-like syndrome 2 (PTHSL2). Identifiers: Orphanet 221150, Orphanet 600663, MedGen C3280479, MONDO:0013690, OMIM 614325.

Allele frequency attached by ClinVar (database versions not stated): TOPMed 0.00001.

Submission:

Labcorp Genetics (formerly Invitae), Labcorp
Classification: Uncertain significance for Pitt-Hopkins-like syndrome 2. Last evaluated: 2023-06-16. Review status: criteria provided, single submitter. Criteria: Invitae Variant Classification Sherloc (09022015). Collection method: clinical testing. Allele origin: germline.
Comment: In summary, the available evidence is currently insufficient to determine the role of this variant in disease. Therefore, it has been classified as a Variant of Uncertain Significance. An algorithm developed to predict the effect of missense changes on protein structure and function (PolyPhen-2) suggests that this variant is likely to be disruptive. This variant has not been reported in the literature in individuals affected with NRXN1-related conditions. This variant is not present in population databases (gnomAD no frequency). This sequence change replaces proline, which is neutral and non-polar, with serine, which is neutral and polar, at codon 1123 of the NRXN1 protein (p.Pro1123Ser).

NM_001330078.2(NRXN1):c.3247C>T (p.Pro1083Ser)

Gene: NRXN1 (neurexin 1; minus strand). Cytogenetic location: 2p16.3.
Variant type: single nucleotide variant.
Coding change: c.3247C>T on transcript NM_001330078.2 (MANE Select); coding-DNA position 3247, C replaced by T.
Protein change: p.Pro1083Ser; replaces proline 1083 with serine.
Molecular consequence: missense variant.
Genome position (GRCh38, 1-based): chr2:50,465,559, G>A on the plus strand (C>T on the coding strand, the complement: NRXN1 is on the minus strand). VCF-style: chr2-50465559-G-A. GRCh37 (hg19) VCF-style: chr2-50692697-G-A.
Other names: c.3367C>T, p.Pro1123Ser (NM_001135659.3); c.3223C>T, p.Pro1075Ser (NM_001330077.2, NM_001330082.2); c.3181C>T, p.Pro1061Ser (NM_001330083.2, NM_001330084.2); c.3220C>T, p.Pro1074Ser (NM_001330085.2); c.3247C>T, p.Pro1083Ser (NM_001330086.2, NM_004801.6); c.3136C>T, p.Pro1046Ser (NM_001330087.2, NM_001330096.2); c.3166C>T, p.Pro1056Ser (NM_001330088.2); c.3244C>T, p.Pro1082Ser (NM_001330093.2); and 2 more; short protein forms P1061S, P1079S, P1066S, P1082S, P1083S, P1123S, P1046S, P1056S.
Identifiers: ClinVar variation 2870311 (VCV002870311.3), dbSNP rs2088736327, ClinGen allele CA346770991.